The following is an entry in ClinVar:

ClinVar aggregate classification (germline): Uncertain significance (1 of 4 stars; one submission).

Conditions:
Autosomal recessive limb-girdle muscular dystrophy type 2W (MDRCMTT). Also called: Muscular dystrophy, autosomal recessive, with cardiomyopathy and triangular tongue; Muscular dystrophy, limb-girdle, type 2W. Identifiers: MedGen C4225192, MONDO:0014788, OMIM 616827.

Allele frequency attached by ClinVar (database versions not stated): gnomAD exomes below 0.00001; TOPMed below 0.00001.
gnomAD v4.1: 3 of 1,614,128 alleles (0.00019%); highest among the groups gnomAD compares: Non-Finnish European, 0.00025%; no homozygotes.

Submission:

Labcorp Genetics (formerly Invitae), Labcorp
Classification: Uncertain significance for Autosomal recessive limb-girdle muscular dystrophy type 2W. Last evaluated: 2023-09-10. Review status: criteria provided, single submitter. Criteria: Invitae Variant Classification Sherloc (09022015). Collection method: clinical testing. Allele origin: germline.
Comment: This sequence change affects a donor splice site in intron 4 of the LIMS2 gene. It is expected to disrupt RNA splicing. Variants that disrupt the donor or acceptor splice site typically lead to a loss of protein function (PMID: 16199547), however the current clinical and genetic evidence is not sufficient to establish whether loss-of-function variants in LIMS2 cause disease. This variant is present in population databases (no rsID available, gnomAD 0.0009%). This variant has not been reported in the literature in individuals affected with LIMS2-related conditions. Algorithms developed to predict the effect of sequence changes on RNA splicing suggest that this variant may disrupt the consensus splice site. In summary, the available evidence is currently insufficient to determine the role of this variant in disease. Therefore, it has been classified as a Variant of Uncertain Significance.

Literature cited by the submitters: PubMed 16199547.

NM_001161403.3(LIMS2):c.238+1G>A

Gene: LIMS2 (LIM zinc finger domain containing 2; minus strand). Cytogenetic location: 2q14.3.
Variant type: single nucleotide variant.
Coding change: c.238+1G>A on transcript NM_001161403.3 (MANE Select); the canonical splice donor site of the intron after coding-DNA position 238, G replaced by A.
Molecular consequence: splice donor variant.
Genome position (GRCh38, 1-based): chr2:127,654,829, C>T on the plus strand (G>A on the coding strand, the complement: LIMS2 is on the minus strand). VCF-style: chr2-127654829-C-T. GRCh37 (hg19) VCF-style: chr2-128412403-C-T.
Other names: c.223+1G>A (NM_001161404.2); c.304+1G>A (NM_001136037.4); c.310+1G>A (NM_017980.5).
Identifiers: ClinVar variation 2834637 (VCV002834637.3), dbSNP rs1416116174, ClinGen allele CA348431556.